The following is an entry in ClinVar:

ClinVar aggregate classification (germline): Uncertain significance (1 of 4 stars; one submission).

Conditions:
RASopathy. Also called: rasopathies; Noonan spectrum disorder. Identifiers: Orphanet 536391, MedGen C5555857, MONDO:0021060.

Submission:

Labcorp Genetics (formerly Invitae), Labcorp
Classification: Uncertain significance for RASopathy. Last evaluated: 2025-03-01. Review status: criteria provided, single submitter. Criteria: Invitae Variant Classification Sherloc (09022015). Collection method: clinical testing. Allele origin: germline.
Comment: This sequence change replaces leucine, which is neutral and non-polar, with phenylalanine, which is neutral and non-polar, at codon 878 of the CBL protein (p.Leu878Phe). This variant is not present in population databases (gnomAD no frequency). This variant has not been reported in the literature in individuals affected with CBL-related conditions. Invitae Evidence Modeling of protein sequence and biophysical properties (such as structural, functional, and spatial information, amino acid conservation, physicochemical variation, residue mobility, and thermodynamic stability) indicates that this missense variant is expected to disrupt CBL protein function with a positive predictive value of 95%. In summary, the available evidence is currently insufficient to determine the role of this variant in disease. Therefore, it has been classified as a Variant of Uncertain Significance.

NM_005188.4(CBL):c.2634G>T (p.Leu878Phe)

Gene: CBL (Cbl proto-oncogene; plus strand). Cytogenetic location: 11q23.3.
Variant type: single nucleotide variant.
Coding change: c.2634G>T on transcript NM_005188.4 (MANE Select); coding-DNA position 2634, G replaced by T.
Protein change: p.Leu878Phe; replaces leucine 878 with phenylalanine.
Molecular consequence: missense variant.
Genome position (GRCh38, 1-based): chr11:119,299,694, G>T. VCF-style: chr11-119299694-G-T. GRCh37 (hg19) VCF-style: chr11-119170404-G-T.
Other names: short protein forms L878F.
Identifiers: ClinVar variation 4800628 (VCV004800628.1).